The following is an entry in ClinVar:

NM_001384732.1(CPLANE1):c.7275G>A (p.Ala2425=)

Gene: CPLANE1 (ciliogenesis and planar polarity effector complex subunit 1; minus strand). Cytogenetic location: 5p13.2.
Variant type: single nucleotide variant.
Coding change: c.7275G>A on transcript NM_001384732.1 (MANE Select); coding-DNA position 7275, G replaced by A.
Protein change: p.Ala2425=; no amino-acid change (alanine 2425 retained).
Molecular consequence: synonymous variant.
Genome position (GRCh38, 1-based): chr5:37,167,172, C>T on the plus strand (G>A on the coding strand, the complement: CPLANE1 is on the minus strand). VCF-style: chr5-37167172-C-T. GRCh37 (hg19) VCF-style: chr5-37167274-C-T.
Other names: c.7275G>A, p.Ala2425= (NM_023073.4).
Identifiers: ClinVar variation 261675 (VCV000261675.43), dbSNP rs137899908, ClinGen allele CA3238099.

ClinVar aggregate classification (germline): Likely benign. Review status: criteria provided, multiple submitters, no conflicts (2 of 4 stars). 8 submissions from 8 submitters: Likely benign (4). 4 of the submissions do not count toward it. Last evaluated 2026-08-01.

Conditions:
CPLANE1-related disorder. Also called: CPLANE1-related condition.
Joubert syndrome 17 (JBTS17). Identifiers: Orphanet 475, MedGen C3553264, MONDO:0013824, OMIM 614615.
Orofaciodigital syndrome type 6 (OFD6). Also called: Oral-facial-digital syndrome type 6; Central polydactyly cleft lip/palate or lingual lump and psychomotor retardation; Y-shaped central metacarpal and cerebellar defect; Joubert syndrome with orofacialdigital anomalies; OROFACIODIGITAL SYNDROME VI; OFDS VI. Identifiers: Orphanet 2754, MedGen C2745997, MONDO:0010176, OMIM 277170.

Allele frequency attached by ClinVar (database versions not stated): 1000 Genomes Project 30x 0.00016; 1000 Genomes Project 0.00020; ESP Exome Variant Server 0.00023; TOPMed 0.00025; gnomAD exomes 0.00031; gnomAD 0.00035 and 0.00036; ExAC 0.00036.
gnomAD v4.1: 918 of 1,612,968 alleles (0.057%); highest among the groups gnomAD compares: Non-Finnish European, 0.074%; no homozygotes.

Submissions (8):

CeGaT Center for Human Genetics Tuebingen
Classification: Likely benign. Last evaluated: 2026-08-01. Review status: criteria provided, single submitter. Criteria: CeGaT Center For Human Genetics Tuebingen Variant Classification Criteria Version 2. Collection method: clinical testing. Allele origin: germline. Affected: yes. Observed: 2 variant alleles.
Comment: CPLANE1: BP4, BP7

Labcorp Genetics (formerly Invitae), Labcorp
Classification: Likely benign. Last evaluated: 2026-01-29. Review status: criteria provided, single submitter. Criteria: Invitae Variant Classification Sherloc (09022015). Collection method: clinical testing. Allele origin: germline.

Blueprint Genetics
Classification: Likely benign. Last evaluated: 2024-10-31. Review status: criteria provided, single submitter. Criteria: ACMG Guidelines, 2015. Collection method: clinical testing. Allele origin: germline.

Fulgent Genetics
Classification: Likely benign for Orofaciodigital syndrome type 6; Joubert syndrome 17. Last evaluated: 2021-11-30. Review status: criteria provided, single submitter. Criteria: ACMG Guidelines, 2015. Collection method: clinical testing. Allele origin: unknown.

PreventionGenetics, part of Exact Sciences
Classification: Likely benign for CPLANE1-related condition. Last evaluated: 2023-05-31. Review status: no assertion criteria provided. Collection method: clinical testing. Allele origin: germline. Not counted in ClinVar's aggregate classification.
Comment: This variant is classified as likely benign based on ACMG/AMP sequence variant interpretation guidelines (Richards et al. 2015 PMID: 25741868, with internal and published modifications).

Clinical Genetics DNA and cytogenetics Diagnostics Lab, Erasmus MC, Erasmus Medical Center
Classification: Likely benign. Review status: no assertion criteria provided. Collection method: clinical testing. Allele origin: germline. Affected: yes. Study: VKGL Data-share Consensus. Not counted in ClinVar's aggregate classification.

Clinical Genetics, Academic Medical Center
Classification: Benign. Review status: no assertion criteria provided. Collection method: clinical testing. Allele origin: germline. Affected: yes. Study: VKGL Data-share Consensus. Not counted in ClinVar's aggregate classification.

Diagnostic Laboratory, Department of Genetics, University Medical Center Groningen
Classification: Likely benign. Review status: no assertion criteria provided. Collection method: clinical testing. Allele origin: germline. Affected: yes. Study: VKGL Data-share Consensus. Not counted in ClinVar's aggregate classification.